The following is an entry in ClinVar:

NM_152296.5(ATP1A3):c.2745C>T (p.Ser915=)

Gene: ATP1A3 (ATPase Na+/K+ transporting subunit alpha 3; minus strand). Cytogenetic location: 19q13.2.
Variant type: single nucleotide variant.
Coding change: c.2745C>T on transcript NM_152296.5 (MANE Select); coding-DNA position 2745, C replaced by T.
Protein change: p.Ser915=; no amino-acid change (serine 915 retained).
Molecular consequence: synonymous variant.
Genome position (GRCh38, 1-based): chr19:41,968,859, G>A on the plus strand (C>T on the coding strand, the complement: ATP1A3 is on the minus strand). VCF-style: chr19-41968859-G-A. GRCh37 (hg19) VCF-style: chr19-42473011-G-A.
Other names: c.2778C>T, p.Ser926= (NM_001256213.2); c.2784C>T, p.Ser928= (NM_001256214.2).
Identifiers: ClinVar variation 3660710 (VCV003660710.2).

ClinVar aggregate classification (germline): Uncertain significance (1 of 4 stars; one submission).

Conditions:
Dystonia 12 (DYT12). Also called: Rapid-Onset Dystonia-Parkinsonism (RDP); DYT-ATP1A3. Identifiers: Orphanet 71517, MedGen C1868681, MONDO:0007496, OMIM 128235.

Submission:

Labcorp Genetics (formerly Invitae), Labcorp
Classification: Uncertain significance for Dystonia 12. Last evaluated: 2024-07-27. Review status: criteria provided, single submitter. Criteria: Invitae Variant Classification Sherloc (09022015). Collection method: clinical testing. Allele origin: germline.
Comment: This sequence change affects codon 915 of the ATP1A3 mRNA. It is a 'silent' change, meaning that it does not change the encoded amino acid sequence of the ATP1A3 protein. This variant is not present in population databases (gnomAD no frequency). This variant has not been reported in the literature in individuals affected with ATP1A3-related conditions. Algorithms developed to predict the effect of sequence changes on RNA splicing suggest that this variant may disrupt the consensus splice site. In summary, the available evidence is currently insufficient to determine the role of this variant in disease. Therefore, it has been classified as a Variant of Uncertain Significance.